The following is an entry in ClinVar:

ClinVar aggregate classification (germline): Uncertain significance. Review status: criteria provided, multiple submitters, no conflicts (2 of 4 stars). 2 submissions from 2 submitters: Uncertain significance (2). Last evaluated 2025-11-26.

Allele frequency attached by ClinVar (database versions not stated): ExAC 0.00002; TOPMed 0.00003; gnomAD 0.00004.

Submissions (2):

Ambry Genetics
Classification: Uncertain significance. Last evaluated: 2025-11-26. Review status: criteria provided, single submitter. Criteria: Ambry Variant Classification Scheme 2023. Collection method: clinical testing. Allele origin: germline.

Labcorp Genetics (formerly Invitae), Labcorp
Classification: Uncertain significance. Last evaluated: 2024-12-11. Review status: criteria provided, single submitter. Criteria: Invitae Variant Classification Sherloc (09022015). Collection method: clinical testing. Allele origin: germline.
Comment: This sequence change replaces arginine, which is basic and polar, with glutamine, which is neutral and polar, at codon 161 of the AAGAB protein (p.Arg161Gln). This variant is present in population databases (rs779782680, gnomAD 0.003%). This variant has not been reported in the literature in individuals affected with AAGAB-related conditions. ClinVar contains an entry for this variant (Variation ID: 2211104). An algorithm developed to predict the effect of missense changes on protein structure and function (PolyPhen-2) suggests that this variant is likely to be tolerated. In summary, the available evidence is currently insufficient to determine the role of this variant in disease. Therefore, it has been classified as a Variant of Uncertain Significance.

NM_024666.5(AAGAB):c.482G>A (p.Arg161Gln)

Gene: AAGAB (alpha and gamma adaptin binding protein; minus strand). Cytogenetic location: 15q23.
Variant type: single nucleotide variant.
Coding change: c.482G>A on transcript NM_024666.5 (MANE Select); coding-DNA position 482, G replaced by A.
Protein change: p.Arg161Gln; replaces arginine 161 with glutamine.
Molecular consequence: missense variant.
Genome position (GRCh38, 1-based): chr15:67,231,867, C>T on the plus strand (G>A on the coding strand, the complement: AAGAB is on the minus strand). VCF-style: chr15-67231867-C-T. GRCh37 (hg19) VCF-style: chr15-67524205-C-T.
Other names: c.155G>A, p.Arg52Gln (NM_001271885.2, NM_001271886.2); short protein forms R52Q, R161Q.
Identifiers: ClinVar variation 2211104 (VCV002211104.5), dbSNP rs779782680, ClinGen allele CA7627085.